The following is an entry in ClinVar:

NM_173086.5(KRT6C):c.181C>T (p.Leu61=)

Gene: KRT6C (keratin 6C; minus strand). Cytogenetic location: 12q13.13.
Variant type: single nucleotide variant.
Coding change: c.181C>T on transcript NM_173086.5 (MANE Select); coding-DNA position 181, C replaced by T.
Protein change: p.Leu61=; no amino-acid change (leucine 61 retained).
Molecular consequence: synonymous variant.
Genome position (GRCh38, 1-based): chr12:52,473,557, G>A on the plus strand (C>T on the coding strand, the complement: KRT6C is on the minus strand). VCF-style: chr12-52473557-G-A. GRCh37 (hg19) VCF-style: chr12-52867341-G-A.
Other names: c.181C>T (NM_173086.4).
Identifiers: ClinVar variation 1300102 (VCV001300102.5), dbSNP rs201833096, ClinGen allele CA6581640.

ClinVar aggregate classification (germline): Benign. Review status: criteria provided, multiple submitters, no conflicts (2 of 4 stars). 3 submissions from 3 submitters: Benign (2). 1 of the submissions does not count toward it. Last evaluated 2021-08-19.

Conditions:
KRT6C-related disorder. Also called: KRT6C-related condition.
Palmoplantar keratoderma, nonepidermolytic, focal or diffuse (PPKNEFD). Also called: PALMOPLANTAR KERATODERMA, FOCAL OR DIFFUSE. Identifiers: Orphanet 402003, MedGen C3810394, MONDO:0014327, OMIM 615735.

Allele frequency attached by ClinVar (database versions not stated): 1000 Genomes Project 0.25140; ExAC 0.39918.

Submissions (3):

Genome-Nilou Lab
Classification: Benign for Palmoplantar keratoderma, nonepidermolytic, focal or diffuse. Last evaluated: 2021-08-19. Review status: criteria provided, single submitter. Criteria: ACMG Guidelines, 2015. Collection method: clinical testing. Allele origin: germline. Affected: no.

Breakthrough Genomics
Classification: Benign. Review status: criteria provided, single submitter. Criteria: ACMG Guidelines, 2015. Collection method: not provided. Allele origin: germline. Inheritance: Autosomal dominant inheritance. Affected: yes.

PreventionGenetics, part of Exact Sciences
Classification: Benign for KRT6C-related condition. Last evaluated: 2024-01-03. Review status: no assertion criteria provided. Collection method: clinical testing. Allele origin: germline. Not counted in ClinVar's aggregate classification.
Comment: This variant is classified as benign based on ACMG/AMP sequence variant interpretation guidelines (Richards et al. 2015 PMID: 25741868, with internal and published modifications).